The following is an entry in ClinVar:

NM_017617.5(NOTCH1):c.4187C>G (p.Pro1396Arg)

Gene: NOTCH1 (notch receptor 1; minus strand). Cytogenetic location: 9q34.3.
Variant type: single nucleotide variant.
Coding change: c.4187C>G on transcript NM_017617.5 (MANE Select); coding-DNA position 4187, C replaced by G.
Protein change: p.Pro1396Arg; replaces proline 1396 with arginine.
Molecular consequence: missense variant.
Genome position (GRCh38, 1-based): chr9:136,505,709, G>C on the plus strand (C>G on the coding strand, the complement: NOTCH1 is on the minus strand). VCF-style: chr9-136505709-G-C. GRCh37 (hg19) VCF-style: chr9-139400161-G-C.
Other names: short protein forms P1396R.
Identifiers: ClinVar variation 4744464 (VCV004744464.1).

ClinVar aggregate classification (germline): Uncertain significance (1 of 4 stars; one submission).

Conditions:
Adams-Oliver syndrome 5 (AOS5). Identifiers: Orphanet 974, MedGen C4014970, MONDO:0014459, OMIM 616028.

Submission:

Labcorp Genetics (formerly Invitae), Labcorp
Classification: Uncertain significance for Adams-Oliver syndrome 5. Last evaluated: 2025-02-03. Review status: criteria provided, single submitter. Criteria: Invitae Variant Classification Sherloc (09022015). Collection method: clinical testing. Allele origin: germline.
Comment: This sequence change replaces proline, which is neutral and non-polar, with arginine, which is basic and polar, at codon 1396 of the NOTCH1 protein (p.Pro1396Arg). This variant is not present in population databases (gnomAD no frequency). This variant has not been reported in the literature in individuals affected with NOTCH1-related conditions. Invitae Evidence Modeling of protein sequence and biophysical properties (such as structural, functional, and spatial information, amino acid conservation, physicochemical variation, residue mobility, and thermodynamic stability) indicates that this missense variant is not expected to disrupt NOTCH1 protein function with a negative predictive value of 80%. In summary, the available evidence is currently insufficient to determine the role of this variant in disease. Therefore, it has been classified as a Variant of Uncertain Significance.